The following is an entry in ClinVar:

NM_001447.3(FAT2):c.1356del (p.Asn452fs)

Gene: FAT2 (FAT atypical cadherin 2; minus strand). Cytogenetic location: 5q33.1.
Variant type: Deletion.
Coding change: c.1356del on transcript NM_001447.3 (MANE Select); coding-DNA position 1356, one base deleted (C; older notation c.1356delC).
Protein change: p.Asn452fs; shifts the reading frame from asparagine 452.
Molecular consequence: frameshift variant.
Genome position (GRCh38, 1-based): chr5:151,567,576, G deleted on the plus strand (C on the coding strand, the reverse complement: FAT2 is on the minus strand). VCF-style (leftmost placement, unchanged base first): chr5-151567575-TG-T. GRCh37 (hg19) VCF-style: chr5-150947136-TG-T.
Other names: c.1356delC (NM_001447.3); short protein forms N452fs.
Identifiers: ClinVar variation 3339419 (VCV003339419.1).

ClinVar aggregate classification (germline): Uncertain significance (1 of 4 stars; one submission).

Submission:

Women's Health and Genetics/Laboratory Corporation of America, LabCorp
Classification: Uncertain significance. Last evaluated: 2024-07-22. Review status: criteria provided, single submitter. Criteria: LabCorp Variant Classification Summary - May 2015. Collection method: clinical testing. Allele origin: germline.
Comment: Variant summary: FAT2 c.1356delC (p.Asn452LysfsX29) results in a premature termination codon, predicted to cause a truncation of the encoded protein or absence of the protein due to nonsense mediated decay, however the molecular mechanism of disease attributed to FAT2 is gain-of-function. The variant was absent in 251404 control chromosomes. The available data on variant occurrences in the general population are insufficient to allow any conclusion about variant significance. To our knowledge, no occurrence of c.1356delC in individuals affected with Spinocerebellar Ataxia 45 and no experimental evidence demonstrating its impact on protein function have been reported. No submitters have cited clinical-significance assessments for this variant to ClinVar. Based on the evidence outlined above, the variant was classified as uncertain significance.